The following is an entry in ClinVar:

NM_007078.3(LDB3):c.732del (p.Val245fs)

Gene: LDB3 (LIM domain binding 3; plus strand). Cytogenetic location: 10q23.2.
Variant type: Deletion.
Coding change: c.732del on transcript NM_007078.3 (MANE Select); coding-DNA position 732, one base deleted (C; older notation c.732delC).
Protein change: p.Val245fs; shifts the reading frame from valine 245.
Molecular consequence: frameshift variant.
Genome position (GRCh38, 1-based): chr10:86,691,938, C deleted; the last of 3 consecutive C bases (chr10:86,691,936-86,691,938); deleting any one gives the same sequence. VCF-style (leftmost placement, unchanged base first): chr10-86691935-TC-T. GRCh37 (hg19) VCF-style: chr10-88451692-TC-T.
Other names: c.591del, p.Val198fs (NM_001080114.2, NM_001080116.1, NM_001368066.1 and 2 more transcripts); c.732del, p.Val245fs (NM_001080115.2, NM_001368063.1, NM_001368064.1 and 1 more transcripts); c.936del, p.Val313fs (NM_001171610.2, NM_001171611.2); short protein forms V198fs, V245fs, V313fs.
Identifiers: ClinVar variation 4859158 (VCV004859158.1).

ClinVar aggregate classification (germline): Uncertain significance (1 of 4 stars; one submission).

Conditions:
Cardiovascular phenotype. Identifiers: MedGen CN230736.

Submission:

Ambry Genetics
Classification: Uncertain significance for Cardiovascular phenotype. Last evaluated: 2026-06-08. Review status: criteria provided, single submitter. Criteria: Ambry Variant Classification Scheme 2023. Collection method: clinical testing. Allele origin: germline.
Comment: The c.732delC variant, located in coding exon 5 of the LDB3 gene, results from a deletion of one nucleotide at nucleotide position 732, causing a translational frameshift with a predicted alternate stop codon (p.V245Sfs*5). This variant is expected to result in protein truncation or nonsense-mediated mRNA decay. However, loss of function has not been established as a mechanism of disease. Based on the available evidence, the clinical significance of this variant remains unclear.